The following is an entry in ClinVar:

ClinVar aggregate classification (germline): Likely benign. Review status: criteria provided, multiple submitters, no conflicts (2 of 4 stars). 3 submissions from 3 submitters: Likely benign (3). Last evaluated 2025-12-09.

Conditions:
Congenital disorder of deglycosylation (CDDG). Identifiers: MedGen C3808991, MONDO:0031376.

Allele frequency attached by ClinVar (database versions not stated): ExAC 0.00001; gnomAD 0.00003; TOPMed 0.00003; ESP Exome Variant Server 0.00008.
gnomAD v4.1: 22 of 1,483,636 alleles (0.0015%); highest among the groups gnomAD compares: African/African-American, 0.0028%; no homozygotes.

Submissions (3):

Labcorp Genetics (formerly Invitae), Labcorp
Classification: Likely benign for Congenital disorder of deglycosylation. Last evaluated: 2025-12-09. Review status: criteria provided, single submitter. Criteria: Invitae Variant Classification Sherloc (09022015). Collection method: clinical testing. Allele origin: germline.

GeneDx
Classification: Likely benign. Last evaluated: 2016-09-09. Review status: criteria provided, single submitter. Criteria: GeneDx Variant Classification (06012015). Collection method: clinical testing. Allele origin: germline. Affected: yes.
Comment: This variant is considered likely benign or benign based on one or more of the following criteria: it is a conservative change, it occurs at a poorly conserved position in the protein, it is predicted to be benign by multiple in silico algorithms, and/or has population frequency not consistent with disease.

Breakthrough Genomics
Classification: Likely benign. Review status: criteria provided, single submitter. Criteria: ACMG Guidelines, 2015. Collection method: not provided. Allele origin: germline. Inheritance: Autosomal recessive inheritance. Affected: yes.

NM_018297.4(NGLY1):c.131+11A>G

Gene: NGLY1 (N-glycanase 1; minus strand). Cytogenetic location: 3p24.2.
Variant type: single nucleotide variant.
Coding change: c.131+11A>G on transcript NM_018297.4 (MANE Select); 11 bases into the intron after coding-DNA position 131, A replaced by G.
Molecular consequence: intron variant.
Genome position (GRCh38, 1-based): chr3:25,783,249, T>C on the plus strand (A>G on the coding strand, the complement: NGLY1 is on the minus strand). VCF-style: chr3-25783249-T-C. GRCh37 (hg19) VCF-style: chr3-25824740-T-C.
Other names: c.6-4561A>G (NM_001145294.2); c.131+11A>G (NM_001145295.2, NM_001145293.2).
Identifiers: ClinVar variation 388895 (VCV000388895.10), dbSNP rs377289212, ClinGen allele CA2289585.